The following is an entry in ClinVar:

ClinVar aggregate classification (germline): Likely benign. Review status: criteria provided, multiple submitters, no conflicts (2 of 4 stars). 2 submissions from 2 submitters: Likely benign (2). Last evaluated 2017-12-11.

Submissions (2):

Labcorp Genetics (formerly Invitae), Labcorp
Classification: Likely benign. Last evaluated: 2017-12-11. Review status: criteria provided, single submitter. Criteria: Invitae Variant Classification Sherloc (09022015). Collection method: clinical testing. Allele origin: germline.

GeneDx
Classification: Likely benign. Last evaluated: 2016-12-13. Review status: criteria provided, single submitter. Criteria: GeneDx Variant Classification (06012015). Collection method: clinical testing. Allele origin: germline. Affected: yes.
Comment: This variant is considered likely benign or benign based on one or more of the following criteria: it is a conservative change, it occurs at a poorly conserved position in the protein, it is predicted to be benign by multiple in silico algorithms, and/or has population frequency not consistent with disease.

NM_001101362.3(KBTBD13):c.867C>A (p.Ala289=)

Gene: KBTBD13 (kelch repeat and BTB domain containing 13; plus strand). Cytogenetic location: 15q22.31.
Variant type: single nucleotide variant.
Coding change: c.867C>A on transcript NM_001101362.3 (MANE Select); coding-DNA position 867, C replaced by A.
Protein change: p.Ala289=; no amino-acid change (alanine 289 retained).
Molecular consequence: synonymous variant.
Genome position (GRCh38, 1-based): chr15:65,077,682, C>A. VCF-style: chr15-65077682-C-A. GRCh37 (hg19) VCF-style: chr15-65370020-C-A.
Identifiers: ClinVar variation 391555 (VCV000391555.4), dbSNP rs1057524136, ClinGen allele CA16607124.
Genomic context (GRCh38, chr15:65,077,682, plus strand): 5'-GACGCCCATCAGCTCCGTGGAGCGCTACGACCCAGCCGCGGGCTGCTGGAGTTTCGTGGC[C>A]GACCTGCCGCAGCCGGCCGCCGGCGTGCCCTGCGCCCAGGCTTGTGGCCGTCTCTTCGTG-3'
Protein context (NP_001094832.1, residues 279-299): DPAAGCWSFV[Ala289=]DLPQPAAGVP